The following is an entry in ClinVar:

NM_199355.4(ADAMTS18):c.118G>C (p.Ala40Pro)

Gene: ADAMTS18 (ADAM metallopeptidase with thrombospondin type 1 motif 18; minus strand). Cytogenetic location: 16q23.1.
Variant type: single nucleotide variant.
Coding change: c.118G>C on transcript NM_199355.4 (MANE Select); coding-DNA position 118, G replaced by C.
Protein change: p.Ala40Pro; replaces alanine 40 with proline.
Molecular consequence: missense variant. On other transcripts: 5 prime UTR variant (1).
Genome position (GRCh38, 1-based): chr16:77,434,478, C>G on the plus strand (G>C on the coding strand, the complement: ADAMTS18 is on the minus strand). VCF-style: chr16-77434478-C-G. GRCh37 (hg19) VCF-style: chr16-77468375-C-G.
Other names: c.-403G>C (NM_001326358.2); short protein forms A40P.
Identifiers: ClinVar variation 1477378 (VCV001477378.6), dbSNP rs1432111632, ClinGen allele CA396851785.
Genomic context (GRCh38, chr16:77,434,478, plus strand): 5'-CATCATTTAATCCGCTGGCGCCGCTGCTGCTGTCACTGGCTAAGGCCGCGGCGACCGACG[C>G]ACAGCAGAGGCAGCACAGCTGGAGCGCCTGCAAGAGAAAAGGTGACATCGCGCGTGAGGG-3'
Protein context (NP_955387.1, residues 30-50): KALQLCCLCC[Ala40Pro]SVAAALASDS

ClinVar aggregate classification (germline): Uncertain significance (1 of 4 stars; one submission).

gnomAD v4.1: 1 of 1,569,320 alleles (0.000064%); highest among the groups gnomAD compares: Non-Finnish European, 0.000086%; no homozygotes.

Submission:

Labcorp Genetics (formerly Invitae), Labcorp
Classification: Uncertain significance. Last evaluated: 2021-12-08. Review status: criteria provided, single submitter. Criteria: Invitae Variant Classification Sherloc (09022015). Collection method: clinical testing. Allele origin: germline.
Comment: This sequence change replaces alanine, which is neutral and non-polar, with proline, which is neutral and non-polar, at codon 40 of the ADAMTS18 protein (p.Ala40Pro). In summary, the available evidence is currently insufficient to determine the role of this variant in disease. Therefore, it has been classified as a Variant of Uncertain Significance. Algorithms developed to predict the effect of missense changes on protein structure and function are either unavailable or do not agree on the potential impact of this missense change (SIFT: "Not Available"; PolyPhen-2: "Probably Damaging"; Align-GVGD: "Not Available"). This variant has not been reported in the literature in individuals affected with ADAMTS18-related conditions. This variant is not present in population databases (gnomAD no frequency).